The following is an entry in ClinVar:

ClinVar aggregate classification (germline): Conflicting classifications of pathogenicity. Review status: criteria provided, conflicting classifications (1 of 4 stars). 2 submissions from 2 submitters: Pathogenic (1); Uncertain significance (1). Last evaluated 2017-04-12.

Conditions:
Developmental and epileptic encephalopathy, 54. Also called: Epileptic encephalopathy, early infantile, 54; HNRNPU-Related Neurodevelopmental Disorder. Identifiers: MedGen C4479319, MONDO:0033363, OMIM 617391.
Inborn genetic diseases. Identifiers: MedGen C0950123, MeSH D030342.

Submissions (2):

Labcorp Genetics (formerly Invitae), Labcorp
Classification: Pathogenic for Developmental and epileptic encephalopathy, 54. Last evaluated: 2017-04-12. Review status: criteria provided, single submitter. Criteria: Invitae Variant Classification Sherloc (09022015). Collection method: clinical testing. Allele origin: germline.
Comment: For these reasons, this variant has been classified as Pathogenic. Loss-of-function variants in HNRNPU are known to be pathogenic.¬†This variant was reported in an individual affected with intellectual disability, short stature, and macrocephaly (PMID: 268451506). This sequence change deletes 4 nucleotides from exon 12 of the HNRNPU mRNA (c.2299_2302delAACA), causing a frameshift at codon 767. This creates a premature translational stop signal (p.Asn767Glufs*66) and is expected to result in an absent or disrupted protein product.

Ambry Genetics
Classification: Uncertain significance for Inborn genetic diseases. Last evaluated: 2016-05-31. Review status: criteria provided, single submitter. Criteria: Ambry exome assertion method (8-5-2015). Collection method: clinical testing. Allele origin: germline. Affected: yes. Observed: 1 variant allele.

Literature cited by the submitters: PubMed 268451506 (cited by Labcorp Genetics (formerly Invitae), Labcorp); PubMed 26845106 (cited by Ambry Genetics).

NM_031844.3(HNRNPU):c.2299_2302del (p.Asn767fs)

Gene: HNRNPU (heterogeneous nuclear ribonucleoprotein U; minus strand). Cytogenetic location: 1q44.
Variant type: Deletion.
Coding change: c.2299_2302del on transcript NM_031844.3 (MANE Select); coding-DNA positions 2299 to 2302, 4 bases deleted (AACA; older notation c.2299_2302delAACA).
Protein change: p.Asn767fs; shifts the reading frame from asparagine 767.
Molecular consequence: frameshift variant.
Genome position (GRCh38, 1-based): chr1:244,855,474-244,855,477, TGTT deleted on the plus strand (AACA on the coding strand, the reverse complement: HNRNPU is on the minus strand); deleting any 4 consecutive bases within chr1:244,855,474-244,855,479 gives the same sequence; the c. name uses the placement nearest the transcript's 3' end. VCF-style (leftmost placement, unchanged base first): chr1-244855473-CTGTT-C. GRCh37 (hg19) VCF-style: chr1-245018775-CTGTT-C.
Other names: c.2242_2245del, p.Asn748fs (NM_004501.3); short protein forms N748fs, N767fs.
Identifiers: ClinVar variation 241620 (VCV000241620.5), dbSNP rs878855133, ClinGen allele CA10581789.
Genomic context (GRCh38, chr1:244,855,473, plus strand): 5'-TGAATCATTACCTGGTTGTAGTTCCCTCTGTTGGGCATTCCACCTCTGTTGTAGTTCCCT[CTGTT>C]TGAGTAACTACCACGGCCAGGAAAAACAGGGGCACGAGGGTATGGATAGCCGATTCCACC-3'